The following is an entry in ClinVar:

ClinVar aggregate classification (germline): Benign/Likely benign. Review status: criteria provided, multiple submitters, no conflicts (2 of 4 stars). 3 submissions from 3 submitters: Benign (1); Likely benign (2). Last evaluated 2025-03-11.

Conditions:
Oto-palato-digital syndrome, type II (OPD2). Also called: FACIOPALATOOSSEOUS SYNDROME; OPD II SYNDROME; Otopalatodigital Syndrome Type 2 (FLNA-OPD2); Otopalatodigital Syndrome, Type II. Identifiers: Orphanet 669, Orphanet 90652, MedGen C1844696, MONDO:0010571, OMIM 304120.
Heterotopia, periventricular, X-linked dominant (PVNH1). Also called: PERIVENTRICULAR NODULAR HETEROTOPIA 1; X-linked periventricular heterotopia; PERIVENTRICULAR NODULAR HETEROTOPIA 4; HETEROTOPIA, PERIVENTRICULAR, 1. Identifiers: Orphanet 2149, Orphanet 82004, MedGen C1848213, MONDO:0010233, OMIM 300049.
Frontometaphyseal dysplasia (FMD1). Identifiers: Orphanet 1826, MedGen C0265293, MONDO:0015942.
Melnick-Needles syndrome (MNS). Also called: MELNICK-NEEDLES OSTEODYSPLASTY; OSTEODYSPLASTY OF MELNICK AND NEEDLES; Melnick-Needles Syndrome (FLNA-MNS). Identifiers: Orphanet 2484, MedGen C0025237, MONDO:0010650, OMIM 309350.
Familial thoracic aortic aneurysm and aortic dissection (TAAD). Also called: Thoracic aortic aneurysms and dissections. Identifiers: Orphanet 91387, MedGen C4707243, MONDO:0019625.

Allele frequency attached by ClinVar (database versions not stated): gnomAD 0.00001; gnomAD exomes 0.00005 and 0.00012; TOPMed 0.00007; ExAC 0.00010.
gnomAD v4.1: 24 of 1,210,808 alleles (0.002%); highest among the groups gnomAD compares: Admixed American, 0.052%; no homozygotes.

Submissions (3):

Labcorp Genetics (formerly Invitae), Labcorp
Classification: Benign for Oto-palato-digital syndrome, type II; Heterotopia, periventricular, X-linked dominant; Frontometaphyseal dysplasia; Melnick-Needles syndrome. Last evaluated: 2025-03-11. Review status: criteria provided, single submitter. Criteria: Invitae Variant Classification Sherloc (09022015). Collection method: clinical testing. Allele origin: germline.

Ambry Genetics
Classification: Likely benign for Familial thoracic aortic aneurysm and aortic dissection. Last evaluated: 2019-09-19. Review status: criteria provided, single submitter. Criteria: Ambry Variant Classification Scheme 2023. Collection method: clinical testing. Allele origin: germline.

GeneDx
Classification: Likely benign. Last evaluated: 2016-03-02. Review status: criteria provided, single submitter. Criteria: GeneDx Variant Classification (06012015). Collection method: clinical testing. Allele origin: germline. Affected: yes.
Comment: This variant is considered likely benign or benign based on one or more of the following criteria: it is a conservative change, it occurs at a poorly conserved position in the protein, it is predicted to be benign by multiple in silico algorithms, and/or has population frequency not consistent with disease.

NM_001110556.2(FLNA):c.1568-19G>A

Gene: FLNA (filamin A; minus strand). Cytogenetic location: Xq28.
Variant type: single nucleotide variant.
Coding change: c.1568-19G>A on transcript NM_001110556.2 (MANE Select); 19 bases into the intron before coding-DNA position 1568, G replaced by A.
Molecular consequence: intron variant.
Genome position (GRCh38, 1-based): chrX:154,365,278, C>T on the plus strand (G>A on the coding strand, the complement: FLNA is on the minus strand). VCF-style: chrX-154365278-C-T. GRCh37 (hg19) VCF-style: chrX-153593646-C-T.
Other names: c.1568-19G>A (NM_001456.4).
Identifiers: ClinVar variation 384166 (VCV000384166.11), dbSNP rs782606152, ClinGen allele CA10561146.